The following is an entry in ClinVar:

NM_000540.3(RYR1):c.3022G>A (p.Ala1008Thr)

Gene: RYR1 (ryanodine receptor 1; plus strand). Cytogenetic location: 19q13.2.
Variant type: single nucleotide variant.
Coding change: c.3022G>A on transcript NM_000540.3 (MANE Select); coding-DNA position 3022, G replaced by A.
Protein change: p.Ala1008Thr; replaces alanine 1008 with threonine.
Molecular consequence: missense variant.
Genome position (GRCh38, 1-based): chr19:38,466,242, G>A. VCF-style: chr19-38466242-G-A. GRCh37 (hg19) VCF-style: chr19-38956882-G-A.
Other names: c.3022G>A, p.Ala1008Thr (NM_001042723.2); short protein forms A1008T.
Identifiers: ClinVar variation 590509 (VCV000590509.5), dbSNP rs770447929, ClinGen allele CA064319.

ClinVar aggregate classification (germline): Uncertain significance. Review status: criteria provided, multiple submitters, no conflicts (2 of 4 stars). 3 submissions from 3 submitters: Uncertain significance (3). Last evaluated 2024-07-29.

Conditions:
Malignant hyperthermia, susceptibility to, 1 (MHS1). Also called: Anesthesia related hyperthermia; Malignant hyperpyrexia; Fulminating hyperpyrexia; Pharmacogenic myopathy; RYR1-Related Malignant Hyperthermia Susceptibility; Malignant hyperthermia suceptibility 1. Identifiers: Orphanet 423, MedGen C2930980, MONDO:0007783, OMIM 145600.

Allele frequency attached by ClinVar (database versions not stated): TOPMed 0.00001; gnomAD 0.00003.
gnomAD v4.1: 22 of 1,613,238 alleles (0.0014%); highest among the groups gnomAD compares: East Asian, 0.011%; no homozygotes.

Submissions (3):

All of Us Research Program, National Institutes of Health
Classification: Uncertain significance for Malignant hyperthermia, susceptibility to, 1. Last evaluated: 2024-07-29. Review status: criteria provided, single submitter. Criteria: ACMG Guidelines, 2015. Collection method: clinical testing. Allele origin: germline. Inheritance: Autosomal dominant inheritance. Observed: 4 variant alleles, 4 heterozygotes.
Comment: This missense variant replaces alanine with threonine at codon 1008 of the RYR1 protein. Computational prediction suggests that this variant may not impact protein structure and function (internally defined REVEL score threshold <= 0.5, PMID: 27666373). To our knowledge, functional studies have not been reported for this variant. This variant has not been reported in individuals affected with RYR1-related disorders in the literature. This variant has been identified in 6/280412 chromosomes in the general population by the Genome Aggregation Database (gnomAD). The available evidence is insufficient to determine the role of this variant in disease conclusively. Therefore, this variant is classified as a Variant of Uncertain Significance.

This study involves interpretation of variants in research participants for the purpose of population health screening. Participant phenotype was not available at the time of variant classification. Additional details can be found in publication PMID: 35346344, PMCID: PMC8962531

Color Diagnostics, LLC DBA Color Health
Classification: Uncertain significance for Malignant hyperthermia, susceptibility to, 1. Last evaluated: 2024-06-26. Review status: criteria provided, single submitter. Criteria: ACMG Guidelines, 2015. Collection method: clinical testing. Allele origin: germline.
Comment: This missense variant replaces alanine with threonine at codon 1008 of the RYR1 protein. Computational prediction suggests that this variant may not impact protein structure and function. To our knowledge, functional studies have not been reported for this variant. This variant has not been reported in individuals affected with RYR1-related disorders in the literature. This variant has been identified in 6/280412 chromosomes in the general population by the Genome Aggregation Database (gnomAD). The available evidence is insufficient to determine the role of this variant in disease conclusively. Therefore, this variant is classified as a Variant of Uncertain Significance.

PreventionGenetics, part of Exact Sciences
Classification: Uncertain significance. Last evaluated: 2015-10-20. Review status: criteria provided, single submitter. Criteria: ACMG Guidelines, 2015. Collection method: clinical testing. Allele origin: germline.